The following is an entry in ClinVar:

ClinVar aggregate classification (germline): Likely benign (0 of 4 stars; one submission).

Conditions:
TLR1-related disorder. Also called: TLR1-related condition.

Allele frequency attached by ClinVar (database versions not stated): ExAC 0.00001; gnomAD 0.00001; TOPMed 0.00001.
gnomAD v4.1: 90 of 1,613,996 alleles (0.0056%); highest among the groups gnomAD compares: Non-Finnish European, 0.0075%; no homozygotes.

Submission:

PreventionGenetics, part of Exact Sciences
Classification: Likely benign for TLR1-related condition. Last evaluated: 2019-05-09. Review status: no assertion criteria provided. Collection method: clinical testing. Allele origin: germline.
Comment: This variant is classified as likely benign based on ACMG/AMP sequence variant interpretation guidelines (Richards et al. 2015 PMID: 25741868, with internal and published modifications).

NM_003263.4(TLR1):c.1032A>G (p.Pro344=)

Gene: TLR1 (toll like receptor 1; minus strand). Cytogenetic location: 4p14.
Variant type: single nucleotide variant.
Coding change: c.1032A>G on transcript NM_003263.4 (MANE Select); coding-DNA position 1032, A replaced by G.
Protein change: p.Pro344=; no amino-acid change (proline 344 retained).
Molecular consequence: synonymous variant.
Genome position (GRCh38, 1-based): chr4:38,797,800, T>C on the plus strand (A>G on the coding strand, the complement: TLR1 is on the minus strand). VCF-style: chr4-38797800-T-C. GRCh37 (hg19) VCF-style: chr4-38799421-T-C.
Identifiers: ClinVar variation 3042038 (VCV003042038.2), dbSNP rs758394460, ClinGen allele CA2889432.